The following is an entry in ClinVar:

NM_022455.5(NSD1):c.1868A>G (p.Tyr623Cys)

Gene: NSD1 (nuclear receptor binding SET domain protein 1; plus strand). Cytogenetic location: 5q35.3.
Variant type: single nucleotide variant.
Coding change: c.1868A>G on transcript NM_022455.5 (MANE Select); coding-DNA position 1868, A replaced by G.
Protein change: p.Tyr623Cys; replaces tyrosine 623 with cysteine.
Molecular consequence: missense variant.
Genome position (GRCh38, 1-based): chr5:177,210,267, A>G. VCF-style: chr5-177210267-A-G. GRCh37 (hg19) VCF-style: chr5-176637268-A-G.
Other names: c.995A>G, p.Tyr332Cys (NM_001365684.2, NM_001409306.1, NM_001409307.1 and 3 more transcripts); c.1868A>G, p.Tyr623Cys (NM_001409301.1, NM_001409302.1, NM_001409303.1); c.1448A>G, p.Tyr483Cys (NM_001409304.1); c.1115A>G, p.Tyr372Cys (NM_001409305.1); short protein forms Y483C, Y623C, Y332C, Y372C.
Identifiers: ClinVar variation 4722141 (VCV004722141.1).

ClinVar aggregate classification (germline): Uncertain significance (1 of 4 stars; one submission).

gnomAD v4.1: 7 of 1,607,378 alleles (0.00044%); highest among the groups gnomAD compares: Middle Eastern, 0.017%; no homozygotes.

Submission:

Labcorp Genetics (formerly Invitae), Labcorp
Classification: Uncertain significance. Last evaluated: 2025-07-30. Review status: criteria provided, single submitter. Criteria: Invitae Variant Classification Sherloc (09022015). Collection method: clinical testing. Allele origin: germline.
Comment: This sequence change replaces tyrosine, which is neutral and polar, with cysteine, which is neutral and slightly polar, at codon 623 of the NSD1 protein (p.Tyr623Cys). This variant is present in population databases (rs758083184, gnomAD 0.002%). This variant has not been reported in the literature in individuals affected with NSD1-related conditions. Invitae Evidence Modeling of protein sequence and biophysical properties (such as structural, functional, and spatial information, amino acid conservation, physicochemical variation, residue mobility, and thermodynamic stability) has been performed for this missense variant. However, the output from this modeling did not meet the statistical confidence thresholds required to predict the impact of this variant on NSD1 protein function. In summary, the available evidence is currently insufficient to determine the role of this variant in disease. Therefore, it has been classified as a Variant of Uncertain Significance.